The following is an entry in ClinVar:

ClinVar aggregate classification (germline): Conflicting classifications of pathogenicity. Review status: criteria provided, conflicting classifications (1 of 4 stars). 23 submissions from 22 submitters: Pathogenic (3); Likely pathogenic (3); Uncertain significance (7); Benign (3); Likely benign (1). 6 of the submissions do not count toward it. Last evaluated 2026-06-30.

Conditions:
Ectodermal dysplasia 14, hair/tooth type with or without hypohidrosis. Identifiers: Orphanet 685067, MedGen C4748560, MONDO:0032584, OMIM 618180.
Autosomal recessive nonsyndromic hearing loss 98. Also called: Deafness, autosomal recessive 98. Identifiers: Orphanet 90636, MedGen C3553932, MONDO:0013929, OMIM 614861.
Tooth agenesis, selective, 10 (STHAG10). Identifiers: MedGen C5774277, MONDO:0859339, OMIM 620173.
TSPEAR-related disorder. Also called: TSPEAR-related condition.
Inborn genetic diseases. Identifiers: MedGen C0950123, MeSH D030342.
Ectodermal dysplasia. Also called: Ectodermal dysplasia syndrome. Identifiers: Orphanet 79373, MedGen C0013575, MONDO:0019287, HP:0000968.

Allele frequency attached by ClinVar (database versions not stated): 1000 Genomes Project 0.00040; 1000 Genomes Project 30x 0.00047; ESP Exome Variant Server 0.00223; gnomAD exomes 0.00229 and 0.00399; gnomAD 0.00230 and 0.00244; TOPMed 0.00239; ExAC 0.00345.
gnomAD v4.1: 6,086 of 1,606,932 alleles (0.38%); highest among the groups gnomAD compares: Non-Finnish European, 0.47%; 19 homozygotes.

Submissions 1 to 9 of 23:

Lupski Lab, Baylor-Hopkins CMG, Baylor College of Medicine
Classification: Likely pathogenic for Ectodermal dysplasia 14, hair/tooth type with or without hypohidrosis. Last evaluated: 2026-06-30. Review status: criteria provided, single submitter. Criteria: ACMG Guidelines, 2015. Collection method: research. Allele origin: germline, maternal, paternal. Inheritance: Autosomal recessive inheritance. Affected: yes and no. Observed: 13 variant alleles, 3 heterozygotes, 10 compound heterozygotes. Clinical features observed: Muscle weakness (HP:0001324), Hypoesthesia (HP:0033748), Paresthesia (HP:0003401), Decreased lacrimation (HP:0000633), Hyperpigmentation of the skin (HP:0000953), Dry skin (HP:0000958), Thin skin (HP:0000963), Sparse eyebrow (HP:0045075), Sparse eyelashes (HP:0000653), Fine hair (HP:0002213), Brittle hair (HP:0002299), Thin fingernail (HP:0012742), and 51 more. Segregation with disease observed.
Comment: This c.1915G>A variant segregates with Ectodermal dysplasia 14 in 2 sibships from 2 unrelated families in our cohort (PP1_Supporting= +1pt). The affected individuals in this submission have a VUS x2, multi-exon deletion, or a Pathogenic variant in trans (PM3_Strong= +4pts). The prevalence of the variant in affected individuals is significantly increased compared with the prevalence in controls (PMID: 37009414) (PS4_Moderate= +2pts). This variant has an AlphaMissense score of 0.769 (PP3_Supporting= +1pt). 8 pts (PP1 +1, PM3 +4, PP3 +1, PS4 +2).

Genetics Laboratory, Great Ormond Street Hospital NHS Foundation Trust, North Thames Genomic Laboratory Hub
Classification: Uncertain significance for Ectodermal dysplasia. Last evaluated: 2026-01-21. Review status: criteria provided, single submitter. Criteria: ACGS Best Practice Guidelines for Variant Classification in Rare Disease 2024 v1.2. Collection method: clinical testing. Allele origin: germline. Affected: yes.
Comment: BP4_supporting, PM3_very-strong

Labcorp Genetics (formerly Invitae), Labcorp
Classification: Pathogenic. Last evaluated: 2025-12-19. Review status: criteria provided, single submitter. Criteria: Invitae Variant Classification Sherloc (09022015). Collection method: clinical testing. Allele origin: germline.
Comment: This sequence change replaces aspartic acid, which is acidic and polar, with asparagine, which is neutral and polar, at codon 639 of the TSPEAR protein (p.Asp639Asn). This variant is present in population databases (rs138480801, gnomAD 0.5%), and has an allele count higher than expected for a pathogenic variant. This missense change has been observed in individual(s) with clinical features of TSPEAR-related conditions (PMID: 33144682, 34042254, 37009414; internal data). In at least one individual the data is consistent with being in trans (on the opposite chromosome) from a pathogenic variant. It has also been observed to segregate with disease in related individuals. ClinVar contains an entry for this variant (Variation ID: 227135). Invitae Evidence Modeling of protein sequence and biophysical properties (such as structural, functional, and spatial information, amino acid conservation, physicochemical variation, residue mobility, and thermodynamic stability) indicates that this missense variant is expected to disrupt TSPEAR protein function with a positive predictive value of 80%. For these reasons, this variant has been classified as Pathogenic.

GeneDx
Classification: Pathogenic. Last evaluated: 2025-12-15. Review status: criteria provided, single submitter. Criteria: GeneDx Variant Classification Process June 2021. Collection method: clinical testing. Allele origin: germline. Affected: yes.
Comment: In silico analysis supports that this missense variant has a deleterious effect on protein structure/function; This variant is associated with the following publications: (PMID: 30046887, 27736875, 34042254, 25855803, 33144682, 37853563, 37009414)

Ambry Genetics
Classification: Uncertain significance for Inborn genetic diseases. Last evaluated: 2025-10-22. Review status: criteria provided, single submitter. Criteria: Ambry Variant Classification Scheme 2023. Collection method: clinical testing. Allele origin: germline.
Comment: The c.1915G>A (p.D639N) alteration is located in exon 12 (coding exon 12) of the TSPEAR gene. This alteration results from a G to A substitution at nucleotide position 1915, causing the aspartic acid (D) at amino acid position 639 to be replaced by an asparagine (N). Based on data from gnomAD, the A allele has an overall frequency of 0.225% (594/263832) total alleles studied. The highest observed frequency was 0.537% (53/9876) of Ashkenazi Jewish alleles. This variant has been identified in the homozygous state and/or in conjunction with other TSPEAR variant(s) in individual(s) with features consistent with TSPEAR-related ectodermal dysplasia; in at least one instance, the variants were identified in trans (Peled, 2016; Bowles, 2021; Jackson, 2023). This amino acid position is highly conserved in available vertebrate species. This alteration is predicted to be tolerated by in silico analysis. Based on insufficient or conflicting evidence, the clinical significance of this alteration remains unclear.

Medical Genetics, Meyer Children Hospital
Classification: Benign for Ectodermal dysplasia 14, hair/tooth type with or without hypohidrosis; Autosomal recessive nonsyndromic hearing loss 98; Tooth agenesis, selective, 10. Last evaluated: 2025-08-04. Review status: criteria provided, single submitter. Criteria: ACMG Guidelines, 2015. Collection method: clinical testing. Allele origin: paternal. Affected: yes.
Comment: PP5, BS1, BS2, BP1, BP4

Women's Health and Genetics/Laboratory Corporation of America, LabCorp
Classification: Uncertain significance. Last evaluated: 2025-06-30. Review status: criteria provided, single submitter. Criteria: LabCorp Variant Classification Summary - May 2015. Collection method: clinical testing. Allele origin: germline.
Comment: Variant summary: TSPEAR c.1915G>A (p.Asp639Asn) results in a conservative amino acid change in the encoded protein sequence. Algorithms developed to predict the effect of missense changes on protein structure and function are either unavailable or do not agree on the potential impact of this missense change. The variant allele was found at a frequency of 0.0038 in 1606932 control chromosomes, predominantly at a frequency of 0.0047-0.005 within the Non-Finnish European and Ashkenazi-Jewish subpopulations in the gnomAD database, including 19 homozygotes. The observed variant frequency within control individuals in the gnomAD database exceeds the estimated maximal expected allele frequency for a pathogenic variant in TSPEAR causing Ectodermal Dysplasia 14, Hair/tooth Type With Or Without Hypohidrosis phenotype. c.1915G>A has been observed in trans with likely pathogenic/pathogenic variants or in the homozygous state in several individual(s) affected with Ectodermal Dysplasia 14, Hair/tooth Type With Or Without Hypohidrosis (example, Bowles_2021, Labcorp Genetics (formerly Invitae), Klee_2021, Jackson_2023). However, due to the prevalence of this variant in controls, these report(s) do not provide unequivocal conclusions about association of the variant with Ectodermal Dysplasia 14, Hair/tooth Type With Or Without Hypohidrosis. In at least 1 family, this variant was found to segregate with disease in 2 affected siblings (Labcorp Genetics, (formerly Invitae)). To our knowledge, no experimental evidence demonstrating an impact on protein function has been reported. The following publications have been ascertained in the context of this evaluation (PMID: 34042254, 27736875, 28409725, 33144682, 37853563, 30046887, 37009414, 29144512). ClinVar contains an entry for this variant (Variation ID: 227135). Based on the evidence outlined above, the variant was classified as VUS-possibly benign.

Centre for Clinical Genetics and Genomic Diagnostics, Zealand University Hospital
Classification: Pathogenic. Last evaluated: 2024-12-19. Review status: criteria provided, single submitter. Criteria: ACMG Guidelines, 2015. Collection method: clinical testing. Allele origin: germline. Affected: yes.
Comment: Compound heterozygous

3billion
Classification: Uncertain significance for Tooth agenesis, selective, 10. Last evaluated: 2024-11-27. Review status: criteria provided, single submitter. Criteria: ACMG Guidelines, 2015. Collection method: clinical testing. Allele origin: germline. Affected: yes.
Comment: The variant is observed at an extremely low frequency in the gnomAD v4.1.0 dataset (total allele frequency: 0.379%). Predicted Consequence/Location: Missense variant. The majority of the known disease-causing variants of this gene are variants expected to result in premature termination of the protein. Damaging effect on gene or gene product predicted by in silico programs is uncertain [REVEL: 0.28 (damaging >=0.6, benign <0.4), 3Cnet: 0.20 (damaging >=0.6, benign <0.15)]. The variant has been reported to be in trans with a pathogenic variant as either compound heterozygous or homozygous in at least one similarly affected unrelated individual (PMID: 34042254).The variant has been reported with conflicting interpretation of pathgenicity (Clinvar:VCV000227135; PMID:27736875). Therefore, this variant is classified as VUS according to the recommendation of ACMG/AMP guideline.

NM_144991.3(TSPEAR):c.1915G>A (p.Asp639Asn)

Gene: TSPEAR (thrombospondin type laminin G domain and EAR repeats; minus strand). Cytogenetic location: 21q22.3.
Variant type: single nucleotide variant.
Coding change: c.1915G>A on transcript NM_144991.3 (MANE Select); coding-DNA position 1915, G replaced by A.
Protein change: p.Asp639Asn; replaces aspartic acid 639 with asparagine.
Molecular consequence: missense variant.
Genome position (GRCh38, 1-based): chr21:44,499,878, C>T on the plus strand (G>A on the coding strand, the complement: TSPEAR is on the minus strand). VCF-style: chr21-44499878-C-T. GRCh37 (hg19) VCF-style: chr21-45919761-C-T.
Other names: c.1711G>A, p.Asp571Asn (NM_001272037.2); short protein forms D639N, D571N.
Identifiers: ClinVar variation 227135 (VCV000227135.68), dbSNP rs138480801, ClinGen allele CA10056257.